The following is an entry in ClinVar:

NM_145038.5(DRC1):c.698G>A (p.Arg233His)

Gene: DRC1 (dynein regulatory complex subunit 1; plus strand). Cytogenetic location: 2p23.3.
Variant type: single nucleotide variant.
Coding change: c.698G>A on transcript NM_145038.5 (MANE Select); coding-DNA position 698, G replaced by A.
Protein change: p.Arg233His; replaces arginine 233 with histidine.
Molecular consequence: missense variant.
Genome position (GRCh38, 1-based): chr2:26,430,805, G>A. VCF-style: chr2-26430805-G-A. GRCh37 (hg19) VCF-style: chr2-26653673-G-A.
Other names: c.698G>A (NM_145038.2); short protein forms R233H.
Identifiers: ClinVar variation 2392082 (VCV002392082.16), dbSNP rs760707903, ClinGen allele CA1561992.
Genomic context (GRCh38, chr2:26,430,805, plus strand): 5'-ATCAAAACAGATGCAAGAGTGTTTTTCCTTCTTGGTCGTAGAAAGCATTTGAGGTGGAAC[G>A]CCAAGAGCTACTGGCCAGTAATAAGAAGAAATGGGAGCAAGCCCTTCAGGCTCATAATGC-3'
Protein context (NP_659475.2, residues 223-243): YNIEKAFEVE[Arg233His]QELLASNKKK

ClinVar aggregate classification (germline): Uncertain significance. Review status: criteria provided, multiple submitters, no conflicts (2 of 4 stars). 2 submissions from 2 submitters: Uncertain significance (2). Last evaluated 2025-11-03.

Conditions:
Primary ciliary dyskinesia. Also called: Ciliary dyskinesia. Identifiers: Orphanet 244, MedGen C0008780, MONDO:0016575, HP:0012265.
Inborn genetic diseases. Identifiers: MedGen C0950123, MeSH D030342.

Allele frequency attached by ClinVar (database versions not stated): TOPMed 0.00001; gnomAD exomes 0.00002; ExAC 0.00001; gnomAD 0.00001.

Submissions (2):

Ambry Genetics
Classification: Uncertain significance for Inborn genetic diseases. Last evaluated: 2025-11-03. Review status: criteria provided, single submitter. Criteria: Ambry Variant Classification Scheme 2023. Collection method: clinical testing. Allele origin: germline.

Labcorp Genetics (formerly Invitae), Labcorp
Classification: Uncertain significance for Primary ciliary dyskinesia. Last evaluated: 2022-04-08. Review status: criteria provided, single submitter. Criteria: Invitae Variant Classification Sherloc (09022015). Collection method: clinical testing. Allele origin: germline.
Comment: In summary, the available evidence is currently insufficient to determine the role of this variant in disease. Therefore, it has been classified as a Variant of Uncertain Significance. This sequence change replaces arginine, which is basic and polar, with histidine, which is basic and polar, at codon 233 of the DRC1 protein (p.Arg233His). This variant is present in population databases (rs760707903, gnomAD 0.003%). This variant has not been reported in the literature in individuals affected with DRC1-related conditions. Algorithms developed to predict the effect of missense changes on protein structure and function are either unavailable or do not agree on the potential impact of this missense change (SIFT: "Tolerated"; PolyPhen-2: "Probably Damaging"; Align-GVGD: "Class C0").